The following is an entry in ClinVar:

NM_001374385.1(ATP8B1):c.1213T>C (p.Tyr405His)

Gene: ATP8B1 (ATPase phospholipid transporting 8B1; minus strand). Cytogenetic location: 18q21.31.
Variant type: single nucleotide variant.
Coding change: c.1213T>C on transcript NM_001374385.1 (MANE Select); coding-DNA position 1213, T replaced by C.
Protein change: p.Tyr405His; replaces tyrosine 405 with histidine.
Molecular consequence: missense variant.
Genome position (GRCh38, 1-based): chr18:57,691,814, A>G on the plus strand (T>C on the coding strand, the complement: ATP8B1 is on the minus strand). VCF-style: chr18-57691814-A-G. GRCh37 (hg19) VCF-style: chr18-55359046-A-G.
Other names: c.1063T>C, p.Tyr355His (NM_001374386.1); c.1213T>C, p.Tyr405His (NM_005603.6); short protein forms Y355H, Y405H.
Identifiers: ClinVar variation 4846313 (VCV004846313.1).
Genomic context (GRCh38, chr18:57,691,814, plus strand): 5'-AGAAGGTACAACATTCTTCCATTAAAGCAAAATGCCAGAGAGGACAGCCTTACCTGACAT[A>G]GAGAGAGATGGGTACCATGGTGTTGAGAACAATGATATAGCCCCAGAAAATGAGGAATCC-3'
Protein context (NP_001361314.1, residues 395-415): VLNTMVPISL[Tyr405His]VSVEVIRLGQ

ClinVar aggregate classification (germline): Uncertain significance (1 of 4 stars; one submission).

Conditions:
Familial intrahepatic cholestasis. Identifiers: Orphanet 284385, MedGen CN296401, MONDO:0017290.

Submission:

Genomenon, Inc
Classification: Uncertain significance for Familial intrahepatic cholestasis. Last evaluated: 2026-04-14. Review status: criteria provided, single submitter. Criteria: Genomenon Sequence Variant Interpretation Standards - Updated. Collection method: curation. Allele origin: germline. Affected: yes.
Comment: ATP8B1 p.Tyr405His (c.1213T>C) is a missense variant that changes the amino acid at residue 405 from Tyrosine to Histidine. This variant has been observed in at least one proband with features of ATP8B1-deficiency (PMID:34543749). It is absent or not present at a significant frequency in gnomAD. In silico models predict that this variant is possibly or probably damaging. In conclusion, we classify ATP8B1 p.Tyr405His (c.1213T>C) as a variant of uncertain significance.

Literature cited by the submitters: PubMed 34543749.